The following is an entry in ClinVar:

NM_032237.5(POMK):c.238_239del (p.Glu80fs)

Gene: POMK (protein O-mannose kinase; plus strand). Cytogenetic location: 8p11.21.
Variant type: Deletion.
Coding change: c.238_239del on transcript NM_032237.5 (MANE Select); coding-DNA positions 238 to 239, 2 bases deleted (GA; older notation c.238_239delGA).
Protein change: p.Glu80fs; shifts the reading frame from glutamic acid 80.
Molecular consequence: frameshift variant.
Genome position (GRCh38, 1-based): chr8:43,103,786-43,103,787, GA deleted; deleting any 2 consecutive bases within chr8:43,103,785-43,103,787 gives the same sequence; the c. name uses the placement nearest the transcript's 3' end. VCF-style (leftmost placement, unchanged base first): chr8-43103784-CAG-C. GRCh37 (hg19) VCF-style: chr8-42958927-CAG-C.
Other names: c.238_239del, p.Glu80fs (NM_001277971.2); short protein forms E80fs.
Identifiers: ClinVar variation 582702 (VCV000582702.5), dbSNP rs1454006905, ClinGen allele CA581627394.
Genomic context (GRCh38, chr8:43,103,784, plus strand): 5'-ACTTCAGGATAGGACAGATGAAAAACTGCTCACCTTGGCTGTCCTGCGAGGAGCTGAGAA[CAG>C]AAGTGAGACAGCTGAAGCGTGTTGGGGAAGGAGCTGTAAAGAGAGTGAGTCCGGGTTCAT-3'

ClinVar aggregate classification (germline): Pathogenic (1 of 4 stars; one submission).

Conditions:
Muscular dystrophy-dystroglycanopathy (congenital with brain and eye anomalies), type a, 12 (MDDGA12). Also called: WALKER-WARBURG SYNDROME OR MUSCLE-EYE-BRAIN DISEASE, POMK-RELATED. Identifiers: Orphanet 899, MedGen C3808964, MONDO:0014101, OMIM 615249.
Limb-girdle muscular dystrophy due to POMK deficiency. Also called: Muscular dystrophy-dystroglycanopathy (limb-girdle), type c, 12; MUSCULAR DYSTROPHY-DYSTROGLYCANOPATHY, LIMB-GIRDLE, POMK-RELATED. Identifiers: Orphanet 445110, MedGen C4015184, MONDO:0014489, OMIM 616094.

Submission:

Labcorp Genetics (formerly Invitae), Labcorp
Classification: Pathogenic for Muscular dystrophy-dystroglycanopathy (congenital with brain and eye anomalies), type a, 12; Limb-girdle muscular dystrophy due to POMK deficiency. Last evaluated: 2018-06-26. Review status: criteria provided, single submitter. Criteria: Invitae Variant Classification Sherloc (09022015). Collection method: clinical testing. Allele origin: germline.
Comment: For these reasons, this variant has been classified as Pathogenic. A different truncation (p.Gln109*) that lies downstream of this variant has been determined to be pathogenic (PMID: 24556084, 24925318). This suggests that deletion of this region of the POMK protein is causative of disease. This variant has not been reported in the literature in individuals with POMK-related disease. This variant is not present in population databases (ExAC no frequency). This sequence change results in a premature translational stop signal in the POMK gene (p.Glu80Serfs*19). While this is not anticipated to result in nonsense mediated decay, it is expected to disrupt the last 271 amino acids of the POMK protein.

Literature cited by the submitters: PubMed 24556084; PubMed 24925318.